The following is an entry in ClinVar:

NM_005506.4(SCARB2):c.178G>T (p.Val60Leu)

Gene: SCARB2 (scavenger receptor class B member 2; minus strand). Cytogenetic location: 4q21.1.
Variant type: single nucleotide variant.
Coding change: c.178G>T on transcript NM_005506.4 (MANE Select); coding-DNA position 178, G replaced by T.
Protein change: p.Val60Leu; replaces valine 60 with leucine.
Molecular consequence: missense variant.
Genome position (GRCh38, 1-based): chr4:76,195,804, C>A on the plus strand (G>T on the coding strand, the complement: SCARB2 is on the minus strand). VCF-style: chr4-76195804-C-A. GRCh37 (hg19) VCF-style: chr4-77116957-C-A.
Other names: c.178G>T, p.Val60Leu (NM_001204255.2); short protein forms V60L.
Identifiers: ClinVar variation 1403749 (VCV001403749.8), dbSNP rs1287892295, ClinGen allele CA357327638.

ClinVar aggregate classification (germline): Uncertain significance (1 of 4 stars; one submission).

Conditions:
Progressive myoclonic epilepsy. Also called: Myoclonic Epilepsies, Progressive; Myoclonus epilepsy; Familial progressive myoclonic epilepsy; Progressive myoclonus epilepsy. Identifiers: Orphanet 308, Orphanet 98261, MedGen C0751778, MONDO:0020074.

gnomAD v4.1: 1 of 1,613,750 alleles (0.000062%); highest among the groups gnomAD compares: Non-Finnish European, 0.000085%; no homozygotes.

Submission:

Labcorp Genetics (formerly Invitae), Labcorp
Classification: Uncertain significance for Progressive myoclonic epilepsy. Last evaluated: 2022-08-10. Review status: criteria provided, single submitter. Criteria: Invitae Variant Classification Sherloc (09022015). Collection method: clinical testing. Allele origin: germline.
Comment: In summary, the available evidence is currently insufficient to determine the role of this variant in disease. Therefore, it has been classified as a Variant of Uncertain Significance. Algorithms developed to predict the effect of missense changes on protein structure and function are either unavailable or do not agree on the potential impact of this missense change (SIFT: "Tolerated"; PolyPhen-2: "Possibly Damaging"; Align-GVGD: "Class C0"). ClinVar contains an entry for this variant (Variation ID: 1403749). This variant has not been reported in the literature in individuals affected with SCARB2-related conditions. This variant is present in population databases (no rsID available, gnomAD 0.0009%). This sequence change replaces valine, which is neutral and non-polar, with leucine, which is neutral and non-polar, at codon 60 of the SCARB2 protein (p.Val60Leu).